The following is an entry in ClinVar:

ClinVar aggregate classification (germline): Uncertain significance (1 of 4 stars; one submission).

Conditions:
Intellectual developmental disorder, X-linked, syndromic, Turner type. Also called: X-linked intellectual disability, Turner type; Intellectual disability, X-linked syndromic, Turner type. Identifiers: Orphanet 3056, Orphanet 85328, MedGen C2678046, MONDO:0010407, OMIM 309590.

Submission:

Dasa
Classification: Uncertain significance for Intellectual developmental disorder, X-linked, syndromic, Turner type. Last evaluated: 2025-02-19. Review status: criteria provided, single submitter. Criteria: DASA Assertion Criteria. Collection method: clinical testing. Allele origin: germline.
Comment: NM_031407.7(HUWE1):c.2407G>T (p.Val803Phe) is a missense variant that results in the substitution of valine with phenylalanine. This variant is absent from population databases. Computational prediction algorithms are consistent with a benign effect. The currently available literature and clinical evidence are not sufficient to establish a definitive association between this variant and the reported condition. Therefore, this variant is classified as a variant of uncertain significance.

NM_031407.7(HUWE1):c.2407G>T (p.Val803Phe)

Gene: HUWE1 (HECT, UBA and WWE domain containing E3 ubiquitin protein ligase 1; minus strand). Cytogenetic location: Xp11.22.
Variant type: single nucleotide variant.
Coding change: c.2407G>T on transcript NM_031407.7 (MANE Select); coding-DNA position 2407, G replaced by T.
Protein change: p.Val803Phe; replaces valine 803 with phenylalanine.
Molecular consequence: missense variant.
Genome position (GRCh38, 1-based): chrX:53,607,612, C>A on the plus strand (G>T on the coding strand, the complement: HUWE1 is on the minus strand). VCF-style: chrX-53607612-C-A. GRCh37 (hg19) VCF-style: chrX-53634573-C-A.
Other names: c.2407G>T, p.Val803Phe (NM_001441048.1, NM_001441049.1, NM_001441051.1 and 6 more transcripts); c.2428G>T, p.Val810Phe (NM_001441050.1, NM_001441055.1); short protein forms V803F, V810F.
Identifiers: ClinVar variation 4882343 (VCV004882343.2).